The following is an entry in ClinVar:

ClinVar aggregate classification (germline): Benign. Review status: criteria provided, single submitter (1 of 4 stars). 2 submissions from 1 submitter: Benign (2). Last evaluated 2018-01-12.

Conditions:
Arterial calcification, generalized, of infancy, 1 (GACI1). Also called: Idiopathic Infantile Arterial Calcification. Identifiers: Orphanet 51608, MedGen C4551985, MONDO:0008817, OMIM 208000.
Hypophosphatemic rickets, autosomal recessive, 2 (ARHR2). Identifiers: Orphanet 289176, MedGen C2750078, MONDO:0013219, OMIM 613312.

Allele frequency attached by ClinVar (database versions not stated): gnomAD 0.28727; TOPMed 0.33415; 1000 Genomes Project 0.41274; 1000 Genomes Project 30x 0.42005.

Submissions (2):

Illumina Laboratory Services, Illumina
Classification: Benign for Hypophosphatemic rickets, autosomal recessive, 2. Last evaluated: 2018-01-12. Review status: criteria provided, single submitter. Criteria: ICSL Variant Classification Criteria 13 December 2019. Collection method: clinical testing. Allele origin: germline.
Comment: This variant was observed in the ICSL laboratory as part of a predisposition screen in an ostensibly healthy population. It had not been previously curated by ICSL or reported in the Human Gene Mutation Database (HGMD: prior to June 1st, 2018), and was therefore a candidate for classification through an automated scoring system. Utilizing variant allele frequency, disease prevalence and penetrance estimates, and inheritance mode, an automated score was calculated to assess if this variant is too frequent to cause the disease. Based on the score and internal cut-off values, a variant classified as benign is not then subjected to further curation. The score for this variant resulted in a classification of benign for this disease.

Illumina Laboratory Services, Illumina
Classification: Benign for Arterial calcification, generalized, of infancy, 1. Last evaluated: 2018-01-12. Review status: criteria provided, single submitter. Criteria: ICSL Variant Classification Criteria 13 December 2019. Collection method: clinical testing. Allele origin: germline.
Comment: the same text as in the submission from Illumina Laboratory Services, Illumina above.

NM_006208.3(ENPP1):c.*1091A>C

Gene: ENPP1 (ectonucleotide pyrophosphatase/phosphodiesterase 1; plus strand). Cytogenetic location: 6q23.2.
Variant type: single nucleotide variant.
Coding change: c.*1091A>C on transcript NM_006208.3 (MANE Select); 1091 bases downstream of the stop codon, A replaced by C.
Molecular consequence: 3 prime UTR variant.
Genome position (GRCh38, 1-based): chr6:131,891,602, A>C. VCF-style: chr6-131891602-A-C. GRCh37 (hg19) VCF-style: chr6-132212742-A-C.
Identifiers: ClinVar variation 355377 (VCV000355377.5), dbSNP rs7754586, ClinGen allele CA10621425.
Genomic context (GRCh38, chr6:131,891,602, plus strand): 5'-CTGTAGCTTTTTATCCCTACCTGTGAACCTTCAAAGACTGCATTAACTTTTAGGCTACAT[A>C]GGTCCAATTGAGGTATAATATCAGTACACCAAAGATTTTTATATGTCCTTCGTGTGACCA-3'